The following is an entry in ClinVar:

ClinVar aggregate classification (germline): Conflicting classifications of pathogenicity. Review status: criteria provided, conflicting classifications (1 of 4 stars). 5 submissions from 5 submitters: Uncertain significance (3); Likely benign (1). 1 of the submissions does not count toward it. Last evaluated 2026-01-26.

Conditions:
Glycogen storage disease, type II (IOPD). Also called: Glucosidase acid-1,4-alpha deficiency; Pompe Disease; POMPE DISEASE, INFANTILE-ONSET; GLYCOGEN STORAGE DISEASE II, INFANTILE-ONSET; ACID ALPHA-GLUCOSIDASE DEFICIENCY, INFANTILE-ONSET; GAA DEFICIENCY, INFANTILE-ONSET. Identifiers: Orphanet 365, MedGen C0017921, MONDO:0009290, OMIM 232300.

Allele frequency attached by ClinVar (database versions not stated): gnomAD exomes 0.00001 and 0.00004; ExAC 0.00003; ESP Exome Variant Server 0.00015; 1000 Genomes Project 0.00020; gnomAD 0.00020 and 0.00021; TOPMed 0.00020; 1000 Genomes Project 30x 0.00031.
gnomAD v4.1: 51 of 1,613,664 alleles (0.0032%); highest among the groups gnomAD compares: African/African-American, 0.055%; no homozygotes.

Submissions (5):

Labcorp Genetics (formerly Invitae), Labcorp
Classification: Likely benign for Glycogen storage disease, type II. Last evaluated: 2026-01-26. Review status: criteria provided, single submitter. Criteria: Invitae Variant Classification Sherloc (09022015). Collection method: clinical testing. Allele origin: germline.

GeneDx
Classification: Uncertain significance. Last evaluated: 2024-08-16. Review status: criteria provided, single submitter. Criteria: GeneDx Variant Classification Process June 2021. Collection method: clinical testing. Allele origin: germline. Affected: yes.
Comment: In silico analysis supports that this missense variant does not alter protein structure/function; Has not been previously published as pathogenic or benign to our knowledge; This variant is associated with the following publications: (PMID: 19343043, 22253258)

Revvity Omics, Revvity
Classification: Uncertain significance. Last evaluated: 2021-11-26. Review status: criteria provided, single submitter. Criteria: ACMG Guidelines, 2015. Collection method: clinical testing. Allele origin: germline.

Fulgent Genetics
Classification: Uncertain significance for Glycogen storage disease, type II. Last evaluated: 2021-07-23. Review status: criteria provided, single submitter. Criteria: ACMG Guidelines, 2015. Collection method: clinical testing. Allele origin: unknown.

Natera, Inc.
Classification: Uncertain significance for Glycogen storage disease type II. Last evaluated: 2019-10-28. Review status: no assertion criteria provided. Collection method: clinical testing. Allele origin: germline. Not counted in ClinVar's aggregate classification.

NM_000152.5(GAA):c.2245G>T (p.Ala749Ser)

Gene: GAA (alpha glucosidase; plus strand). Cytogenetic location: 17q25.3.
Variant type: single nucleotide variant.
Coding change: c.2245G>T on transcript NM_000152.5 (MANE Select); coding-DNA position 2245, G replaced by T.
Protein change: p.Ala749Ser; replaces alanine 749 with serine.
Molecular consequence: missense variant.
Genome position (GRCh38, 1-based): chr17:80,117,023, G>T. VCF-style: chr17-80117023-G-T. GRCh37 (hg19) VCF-style: chr17-78090822-G-T.
Other names: c.2245G>T (LRG_673t1); c.2245G>T, p.Ala749Ser (NM_001079803.3, NM_001079804.3); short protein forms A749S.
Identifiers: ClinVar variation 456396 (VCV000456396.10), dbSNP rs148311222, ClinGen allele CA8815668.